The following is an entry in ClinVar:

NM_001008537.3(NEXMIF):c.4017G>C (p.Glu1339Asp)

Gene: NEXMIF (neurite extension and migration factor; minus strand). Cytogenetic location: Xq13.3.
Variant type: single nucleotide variant.
Coding change: c.4017G>C on transcript NM_001008537.3 (MANE Select); coding-DNA position 4017, G replaced by C.
Protein change: p.Glu1339Asp; replaces glutamic acid 1339 with aspartic acid.
Molecular consequence: missense variant.
Genome position (GRCh38, 1-based): chrX:74,740,540, C>G on the plus strand (G>C on the coding strand, the complement: NEXMIF is on the minus strand). VCF-style: chrX-74740540-C-G. GRCh37 (hg19) VCF-style: chrX-73960375-C-G.
Other names: short protein forms E1339D.
Identifiers: ClinVar variation 3607071 (VCV003607071.2).

ClinVar aggregate classification (germline): Uncertain significance (1 of 4 stars; one submission).

Submission:

Labcorp Genetics (formerly Invitae), Labcorp
Classification: Uncertain significance. Last evaluated: 2024-03-22. Review status: criteria provided, single submitter. Criteria: Invitae Variant Classification Sherloc (09022015). Collection method: clinical testing. Allele origin: germline.
Comment: This sequence change replaces glutamic acid, which is acidic and polar, with aspartic acid, which is acidic and polar, at codon 1339 of the NEXMIF protein (p.Glu1339Asp). This variant is not present in population databases (gnomAD no frequency). This variant has not been reported in the literature in individuals affected with NEXMIF-related conditions. An algorithm developed to predict the effect of missense changes on protein structure and function (PolyPhen-2) suggests that this variant is likely to be disruptive. In summary, the available evidence is currently insufficient to determine the role of this variant in disease. Therefore, it has been classified as a Variant of Uncertain Significance.